The following is an entry in ClinVar:

NM_000094.4(COL7A1):c.544G>A (p.Glu182Lys)

Gene: COL7A1 (collagen type VII alpha 1 chain; minus strand). Cytogenetic location: 3p21.31.
Variant type: single nucleotide variant.
Coding change: c.544G>A on transcript NM_000094.4 (MANE Select); coding-DNA position 544, G replaced by A.
Protein change: p.Glu182Lys; replaces glutamic acid 182 with lysine.
Molecular consequence: missense variant.
Genome position (GRCh38, 1-based): chr3:48,593,240, C>T on the plus strand (G>A on the coding strand, the complement: COL7A1 is on the minus strand). VCF-style: chr3-48593240-C-T. GRCh37 (hg19) VCF-style: chr3-48630673-C-T.
Other names: short protein forms E182K.
Identifiers: ClinVar variation 2110121 (VCV002110121.4), dbSNP rs2531343949, ClinGen allele CA352743943.

ClinVar aggregate classification (germline): Uncertain significance (1 of 4 stars; one submission).

Submission:

Labcorp Genetics (formerly Invitae), Labcorp
Classification: Uncertain significance. Last evaluated: 2022-03-12. Review status: criteria provided, single submitter. Criteria: Invitae Variant Classification Sherloc (09022015). Collection method: clinical testing. Allele origin: germline.
Comment: In summary, the available evidence is currently insufficient to determine the role of this variant in disease. Therefore, it has been classified as a Variant of Uncertain Significance. Advanced modeling of protein sequence and biophysical properties (such as structural, functional, and spatial information, amino acid conservation, physicochemical variation, residue mobility, and thermodynamic stability) performed at Invitae indicates that this missense variant is expected to disrupt COL7A1 protein function. This variant has not been reported in the literature in individuals affected with COL7A1-related conditions. This variant is not present in population databases (gnomAD no frequency). This sequence change replaces glutamic acid, which is acidic and polar, with lysine, which is basic and polar, at codon 182 of the COL7A1 protein (p.Glu182Lys).